The following is an entry in ClinVar:

ClinVar aggregate classification (germline): Uncertain significance (1 of 4 stars; one submission).

Conditions:
Baller-Gerold syndrome (BGS). Also called: CRANIOSYNOSTOSIS WITH RADIAL DEFECTS. Identifiers: Orphanet 1225, MedGen C0265308, MONDO:0009039, OMIM 218600.

gnomAD v4.1: 1 of 1,612,816 alleles (0.000062%); highest among the groups gnomAD compares: Non-Finnish European, 0.000085%; no homozygotes.

Submission:

Labcorp Genetics (formerly Invitae), Labcorp
Classification: Uncertain significance for Baller-Gerold syndrome. Last evaluated: 2022-12-11. Review status: criteria provided, single submitter. Criteria: Invitae Variant Classification Sherloc (09022015). Collection method: clinical testing. Allele origin: germline.
Comment: This variant is not present in population databases (gnomAD no frequency). In summary, the available evidence is currently insufficient to determine the role of this variant in disease. Therefore, it has been classified as a Variant of Uncertain Significance. Experimental studies and prediction algorithms are not available or were not evaluated, and the functional significance of this variant is currently unknown. This variant has not been reported in the literature in individuals affected with RECQL4-related conditions. This sequence change replaces proline, which is neutral and non-polar, with arginine, which is basic and polar, at codon 430 of the RECQL4 protein (p.Pro430Arg).

NM_004260.4(RECQL4):c.1289C>G (p.Pro430Arg)

Gene: RECQL4 (RecQ like helicase 4; minus strand). Cytogenetic location: 8q24.3.
Variant type: single nucleotide variant.
Coding change: c.1289C>G on transcript NM_004260.4 (MANE Select); coding-DNA position 1289, C replaced by G.
Protein change: p.Pro430Arg; replaces proline 430 with arginine.
Molecular consequence: missense variant. On other transcripts: 5 prime UTR variant (1), non-coding transcript variant (3).
Genome position (GRCh38, 1-based): chr8:144,515,427, G>C on the plus strand (C>G on the coding strand, the complement: RECQL4 is on the minus strand). VCF-style: chr8-144515427-G-C. GRCh37 (hg19) VCF-style: chr8-145740811-G-C.
Other names: c.938C>G, p.Pro313Arg (NM_001413029.1); c.152C>G, p.Pro51Arg (NM_001413030.1, NM_001413031.1, NM_001413032.1 and 2 more transcripts); c.1289C>G, p.Pro430Arg (NM_001413033.1, NM_001413036.1, NM_001413018.1 and 2 more transcripts); c.218C>G, p.Pro73Arg (NM_001413034.1, NM_001413035.1, NM_001413037.1 and 8 more transcripts); c.1193C>G, p.Pro398Arg (NM_001413017.1, NM_001413020.1); c.1160C>G, p.Pro387Arg (NM_001413025.1); c.-179C>G (NM_001413043.1); short protein forms P313R, P387R, P398R, P51R, P430R, P73R.
Identifiers: ClinVar variation 2820196 (VCV002820196.3), dbSNP rs767742066, ClinGen allele CA372685887.